The following is an entry in ClinVar:

ClinVar aggregate classification (germline): Benign/Likely benign. Review status: criteria provided, multiple submitters, no conflicts (2 of 4 stars). 4 submissions from 4 submitters: Benign (1); Likely benign (3). Last evaluated 2025-05-17.

Conditions:
Left ventricular noncompaction 1 (LVNC1). Also called: LEFT VENTRICULAR NONCOMPACTION 1 WITH OR WITHOUT CONGENITAL HEART DEFECTS. Identifiers: Orphanet 54260, MedGen C1858725, MONDO:0011403, OMIM 604169.

Allele frequency attached by ClinVar (database versions not stated): gnomAD 0.00006; gnomAD exomes 0.00006 and 0.00011; TOPMed 0.00006; ExAC 0.00012; ESP Exome Variant Server 0.00015.
gnomAD v4.1: 163 of 1,613,808 alleles (0.01%); highest among the groups gnomAD compares: Non-Finnish European, 0.013%; no homozygotes.

Submissions (4):

Labcorp Genetics (formerly Invitae), Labcorp
Classification: Likely benign for Left ventricular noncompaction 1. Last evaluated: 2025-05-17. Review status: criteria provided, single submitter. Criteria: Invitae Variant Classification Sherloc (09022015). Collection method: clinical testing. Allele origin: germline.

Blueprint Genetics
Classification: Likely benign. Last evaluated: 2024-11-11. Review status: criteria provided, single submitter. Criteria: ACMG Guidelines, 2015. Collection method: clinical testing. Allele origin: germline.

Women's Health and Genetics/Laboratory Corporation of America, LabCorp
Classification: Benign. Last evaluated: 2019-12-10. Review status: criteria provided, single submitter. Criteria: LabCorp Variant Classification Summary - May 2015. Collection method: clinical testing. Allele origin: germline.
Comment: Variant summary: DTNA c.603+15T>C alters a nucleotide located close to a canonical splice site and therefore could affect mRNA splicing, leading to a significantly altered protein sequence. 5/5 computational tools predict no significant impact on normal splicing. However, these predictions have yet to be confirmed by functional studies. The variant allele was found at a frequency of 5.6e-05 in 250454 control chromosomes, predominantly at a frequency of 9.7e-05 within the Non-Finnish European subpopulation in the gnomAD database. The observed variant frequency within Non-Finnish European control individuals in the gnomAD database is approximately 4-folds over the estimated maximal expected allele frequency for a pathogenic variant in DTNA causing Cardiomyopathy phenotype (2.5e-05), strongly suggesting that the variant is a benign polymorphism found primarily in populations of Non-Finnish European origin. To our knowledge, no occurrence of c.603+15T>C in individuals affected with Cardiomyopathy and no experimental evidence demonstrating its impact on protein function have been reported. No clinical diagnostic laboratories have submitted clinical-significance assessments for this variant to ClinVar after 2014. Based on the evidence outlined above, the variant was classified as benign.

Laboratory for Molecular Medicine, Mass General Brigham Personalized Medicine
Classification: Likely benign. Last evaluated: 2012-03-19. Review status: criteria provided, single submitter. Criteria: LMM Criteria. Collection method: clinical testing. Allele origin: germline. Observed: 2 variant alleles.
Comment: c.603+15T>C in intron 7 of DTNA: This variant is not expected to have clinical s ignificance because it is not located within the splice consensus sequence. It h as been identified in 1/7020 European American chromosomes by the NHLBI Exome Se quencing Project.

NM_001386795.1(DTNA):c.603+15T>C

Gene: DTNA (dystrobrevin alpha; plus strand). Cytogenetic location: 18q12.1.
Variant type: single nucleotide variant.
Coding change: c.603+15T>C on transcript NM_001386795.1 (MANE Select); 15 bases into the intron after coding-DNA position 603, T replaced by C.
Molecular consequence: intron variant.
Genome position (GRCh38, 1-based): chr18:34,812,128, T>C. VCF-style: chr18-34812128-T-C. GRCh37 (hg19) VCF-style: chr18-32392092-T-C.
Other names: c.603+15T>C (NM_032975.4, NM_001386761.1, NM_001386762.1 and 35 more transcripts).
Identifiers: ClinVar variation 227347 (VCV000227347.13), dbSNP rs367772080, ClinGen allele CA8935407.